The following is an entry in ClinVar:

NM_012243.3(SLC35A3):c.40G>A (p.Val14Ile)

Gene: SLC35A3 (solute carrier family 35 member A3; plus strand). Cytogenetic location: 1p21.2.
Variant type: single nucleotide variant.
Coding change: c.40G>A on transcript NM_012243.3 (MANE Select); coding-DNA position 40, G replaced by A.
Protein change: p.Val14Ile; replaces valine 14 with isoleucine.
Molecular consequence: missense variant.
Genome position (GRCh38, 1-based): chr1:99,993,594, G>A. VCF-style: chr1-99993594-G-A. GRCh37 (hg19) VCF-style: chr1-100459150-G-A.
Other names: c.40G>A, p.Val14Ile (NM_001271684.2); c.166G>A, p.Val56Ile (NM_001271685.2); short protein forms V14I, V56I.
Identifiers: ClinVar variation 569299 (VCV000569299.4), dbSNP rs1392040093, ClinGen allele CA341323563.

ClinVar aggregate classification (germline): Uncertain significance. Review status: criteria provided, single submitter (1 of 4 stars). 2 submissions from 2 submitters: Uncertain significance (1). 1 of the submissions does not count toward it. Last evaluated 2021-08-24.

Conditions:
Autism spectrum disorder - epilepsy - arthrogryposis syndrome (AMRS). Identifiers: Orphanet 370943, MedGen C3809910, MONDO:0014248, OMIM 615553.
Arthrogryposis multiplex congenita (AMC). Also called: Congenital multiple arthrogryposis; Fibrous ankylosis of multiple joints; Congenital arthromyodysplasia; Myodystrophia fetalis deformans; Otto syndrome; Rocher-Sheldon syndrome. Identifiers: Orphanet 1037, MedGen C5779613, MeSH D001176, MONDO:0015168, HP:0002804.

Allele frequency attached by ClinVar (database versions not stated): gnomAD 0.00001.

Submissions (2):

Labcorp Genetics (formerly Invitae), Labcorp
Classification: Uncertain significance for Autism spectrum disorder - epilepsy - arthrogryposis syndrome. Last evaluated: 2021-08-24. Review status: criteria provided, single submitter. Criteria: Invitae Variant Classification Sherloc (09022015). Collection method: clinical testing. Allele origin: germline.
Comment: This sequence change replaces valine with isoleucine at codon 14 of the SLC35A3 protein (p.Val14Ile). The valine residue is highly conserved and there is a small physicochemical difference between valine and isoleucine. This variant is not present in population databases (ExAC no frequency). This variant has not been reported in the literature in individuals affected with SLC35A3-related conditions. Algorithms developed to predict the effect of missense changes on protein structure and function (SIFT, PolyPhen-2, Align-GVGD) all suggest that this variant is likely to be tolerated. In summary, the available evidence is currently insufficient to determine the role of this variant in disease. Therefore, it has been classified as a Variant of Uncertain Significance.

Natera, Inc.
Classification: Uncertain significance for Arthrogryposis. Last evaluated: 2020-09-16. Review status: no assertion criteria provided. Collection method: clinical testing. Allele origin: germline. Not counted in ClinVar's aggregate classification.